The following is an entry in ClinVar:

NM_003628.6(PKP4):c.2534G>C (p.Gly845Ala)

Genes: PKP4 (plakophilin 4; plus strand), PKP4-AS1 (PKP4 antisense RNA 1; minus strand). Cytogenetic location: 2q24.1.
Variant type: single nucleotide variant.
Coding change: c.2534G>C on transcript NM_003628.6 (MANE Select); coding-DNA position 2534, G replaced by C.
Protein change: p.Gly845Ala; replaces glycine 845 with alanine.
Molecular consequence: missense variant.
Genome position (GRCh38, 1-based): chr2:158,663,402, G>C. VCF-style: chr2-158663402-G-C. GRCh37 (hg19) VCF-style: chr2-159519914-G-C.
Other names: c.2534G>C, p.Gly845Ala (NM_001005476.4, NM_001304971.2, NM_001377218.1 and 1 more transcripts); c.2531G>C, p.Gly844Ala (NM_001304969.3, NM_001377219.1, NM_001377220.1 and 2 more transcripts); c.1505G>C, p.Gly502Ala (NM_001304970.3); c.2528G>C, p.Gly843Ala (NM_001377222.1, NM_001377223.1); c.2525G>C, p.Gly842Ala (NM_001377224.1); short protein forms G502A, G842A, G843A, G844A, G845A.
Identifiers: ClinVar variation 3223508 (VCV003223508.1), dbSNP rs899307975, ClinGen allele CA58639442.
Genomic context (GRCh38, chr2:158,663,402, plus strand): 5'-CGGTGGTAAAACCATATCTGACTCTTCTAGCAGAAAGTTCCAACCCAGCCACCTTGGAAG[G>C]CTCTGCAGGGTCTCTCCAGAACCTCTCTGCTGGCAACTGGAAGGTAGGATGACTTCCACT-3'
Protein context (NP_003619.2, residues 835-855): AESSNPATLE[Gly845Ala]SAGSLQNLSA

ClinVar aggregate classification (germline): Uncertain significance (1 of 4 stars; one submission).

Allele frequency attached by ClinVar (database versions not stated): gnomAD 0.00001; TOPMed 0.00002.
gnomAD v4.1: 31 of 1,613,998 alleles (0.0019%); highest among the groups gnomAD compares: Non-Finnish European, 0.0024%; no homozygotes.

Submission:

Ambry Genetics
Classification: Uncertain significance. Last evaluated: 2023-11-21. Review status: criteria provided, single submitter. Criteria: Ambry Variant Classification Scheme 2023. Collection method: clinical testing. Allele origin: germline.
Comment: The p.G845A variant (also known as c.2534G>C), located in coding exon 14 of the PKP4 gene, results from a G to C substitution at nucleotide position 2534. The glycine at codon 845 is replaced by alanine, an amino acid with similar properties. This amino acid position is conserved. In addition, the in silico prediction for this alteration is inconclusive. Since supporting evidence is limited at this time, the clinical significance of this alteration remains unclear.